The following is an entry in ClinVar:

ClinVar aggregate classification (germline): Uncertain significance (1 of 4 stars; one submission).

Conditions:
Congenital disorder of deglycosylation (CDDG). Identifiers: MedGen C3808991, MONDO:0031376.

gnomAD v4.1: 2 of 1,613,736 alleles (0.00012%); no homozygotes.

Submission:

Labcorp Genetics (formerly Invitae), Labcorp
Classification: Uncertain significance for Congenital disorder of deglycosylation. Last evaluated: 2022-02-28. Review status: criteria provided, single submitter. Criteria: Invitae Variant Classification Sherloc (09022015). Collection method: clinical testing. Allele origin: germline.
Comment: This sequence change replaces glutamic acid, which is acidic and polar, with aspartic acid, which is acidic and polar, at codon 544 of the NGLY1 protein (p.Glu544Asp). This variant is present in population databases (no rsID available, gnomAD 0.0009%). This variant has not been reported in the literature in individuals affected with NGLY1-related conditions. Algorithms developed to predict the effect of missense changes on protein structure and function are either unavailable or do not agree on the potential impact of this missense change (SIFT: "Tolerated"; PolyPhen-2: "Possibly Damaging"; Align-GVGD: "Class C0"). In summary, the available evidence is currently insufficient to determine the role of this variant in disease. Therefore, it has been classified as a Variant of Uncertain Significance.

NM_018297.4(NGLY1):c.1632A>T (p.Glu544Asp)

Gene: NGLY1 (N-glycanase 1; minus strand). Cytogenetic location: 3p24.2.
Variant type: single nucleotide variant.
Coding change: c.1632A>T on transcript NM_018297.4 (MANE Select); coding-DNA position 1632, A replaced by T.
Protein change: p.Glu544Asp; replaces glutamic acid 544 with aspartic acid.
Molecular consequence: missense variant. On other transcripts: intron variant (1).
Genome position (GRCh38, 1-based): chr3:25,720,171, T>A on the plus strand (A>T on the coding strand, the complement: NGLY1 is on the minus strand). VCF-style: chr3-25720171-T-A. GRCh37 (hg19) VCF-style: chr3-25761662-T-A.
Other names: c.1578A>T, p.Glu526Asp (NM_001145293.2); c.1506A>T, p.Glu502Asp (NM_001145294.2); c.1612-536A>T (NM_001145295.2); short protein forms E544D, E502D, E526D.
Identifiers: ClinVar variation 2180522 (VCV002180522.1), dbSNP rs1222357819, ClinGen allele CA351894433.